The following is an entry in ClinVar:

NM_001382.4(DPAGT1):c.710G>T (p.Gly237Val)

Gene: DPAGT1 (dolichyl-phosphate N-acetylglucosaminephosphotransferase 1; minus strand). Cytogenetic location: 11q23.3.
Variant type: single nucleotide variant.
Coding change: c.710G>T on transcript NM_001382.4 (MANE Select); coding-DNA position 710, G replaced by T.
Protein change: p.Gly237Val; replaces glycine 237 with valine.
Molecular consequence: missense variant.
Genome position (GRCh38, 1-based): chr11:119,098,421, C>A on the plus strand (G>T on the coding strand, the complement: DPAGT1 is on the minus strand). VCF-style: chr11-119098421-C-A. GRCh37 (hg19) VCF-style: chr11-118969131-C-A.
Other names: short protein forms G237V.
Identifiers: ClinVar variation 2637942 (VCV002637942.1), dbSNP rs370044741, ClinGen allele CA382911693.
Genomic context (GRCh38, chr11:119,098,421, plus strand): 5'-ATGTGTTCAGGTAGTTGTCCCCTTATCCACAGGCCTACTTACCAGTTGTGGTAGAGCAAT[C>A]CCAAAGTGGTGAAAAAAAAGGGTATCATGAAGTAGAGGGAAAAGACATGATCATCCCGAC-3'
Protein context (NP_001373.2, residues 227-247): FMIPFFFTTL[Gly237Val]LLYHNWYPSR

ClinVar aggregate classification (germline): Uncertain significance (1 of 4 stars; one submission).

Conditions:
Congenital myasthenic syndrome 13 (CMS13). Also called: Myasthenic syndrome, congenital, with tubular aggregates 2; Myasthenic syndrome, congenital, 13, with tubular aggregates. Identifiers: Orphanet 353327, Orphanet 590, MedGen C3553645, MONDO:0013883, OMIM 614750.

gnomAD v4.1: 1 of 1,613,914 alleles (0.000062%); highest among the groups gnomAD compares: African/African-American, 0.0013%; no homozygotes.

Submission:

Illumina Laboratory Services, Illumina
Classification: Uncertain significance for Congenital myasthenic syndrome 13. Last evaluated: 2023-08-30. Review status: criteria provided, single submitter. Criteria: ICSLVariantClassificationCriteria RUGD 01 April 2020. Collection method: clinical testing. Allele origin: unknown.
Comment: The DPAGT1 c.710G>T (p.Gly237Val) missense variant has not, to our knowledge, been reported in the peer-reviewed literature. This variant is not observed in version 2.1.1 or version 3.1.2 of the Genome Aggregation Database. The p.Gly237Val variant is located in the glycosyl transferase family 4 domain. Based on the available evidence, the c.710G>T, (p.Gly237Val) variant is classified as a variant of uncertain significance for congenital myasthenic syndrome.